The following is an entry in ClinVar:

NM_001134232.2(TMEM106B):c.676C>T (p.Leu226Phe)

Gene: TMEM106B (transmembrane protein 106B; plus strand). Cytogenetic location: 7p21.3.
Variant type: single nucleotide variant.
Coding change: c.676C>T on transcript NM_001134232.2 (MANE Select); coding-DNA position 676, C replaced by T.
Protein change: p.Leu226Phe; replaces leucine 226 with phenylalanine.
Molecular consequence: missense variant.
Genome position (GRCh38, 1-based): chr7:12,231,105, C>T. VCF-style: chr7-12231105-C-T. GRCh37 (hg19) VCF-style: chr7-12270731-C-T.
Other names: c.676C>T, p.Leu226Phe (NM_018374.4); short protein forms L226F.
Identifiers: ClinVar variation 5021016 (VCV005021016.1).

ClinVar aggregate classification (germline): Uncertain significance (1 of 4 stars; one submission).

Submission:

Dasa
Classification: Uncertain significance. Last evaluated: 2025-01-10. Review status: criteria provided, single submitter. Criteria: DASA Assertion Criteria. Collection method: clinical testing. Allele origin: germline.
Comment: NM_001134232.2(TMEM106B):c.676C>T (p.Leu226Phe) is a missense variant that results in the substitution of leucine with phenylalanine. This variant is rare in population databases. Computational prediction algorithms are consistent with a benign effect. The currently available literature and clinical evidence are not sufficient to establish a definitive association between this variant and the reported condition. Therefore, this variant is classified as a variant of uncertain significance.